The following is an entry in ClinVar:

ClinVar aggregate classification (germline): Uncertain significance. Review status: criteria provided, multiple submitters, no conflicts (2 of 4 stars). 2 submissions from 2 submitters: Uncertain significance (2). Last evaluated 2022-07-13.

Conditions:
Oculocutaneous albinism. Identifiers: Orphanet 55, MedGen C0078918, MONDO:0018910.

Allele frequency attached by ClinVar (database versions not stated): gnomAD 0.00001; gnomAD exomes 0.00001; TOPMed 0.00002.
gnomAD v4.1: 14 of 1,614,040 alleles (0.00087%); highest among the groups gnomAD compares: Non-Finnish European, 0.0011%; no homozygotes.

Submissions (2):

Labcorp Genetics (formerly Invitae), Labcorp
Classification: Uncertain significance. Last evaluated: 2022-07-13. Review status: criteria provided, single submitter. Criteria: Invitae Variant Classification Sherloc (09022015). Collection method: clinical testing. Allele origin: germline.
Comment: This sequence change replaces alanine, which is neutral and non-polar, with threonine, which is neutral and polar, at codon 23 of the TYR protein (p.Ala23Thr). This variant is present in population databases (no rsID available, gnomAD 0.002%). This variant has not been reported in the literature in individuals affected with TYR-related conditions. ClinVar contains an entry for this variant (Variation ID: 882561). Algorithms developed to predict the effect of missense changes on protein structure and function are either unavailable or do not agree on the potential impact of this missense change (SIFT: "Tolerated"; PolyPhen-2: "Possibly Damaging"; Align-GVGD: "Class C0"). In summary, the available evidence is currently insufficient to determine the role of this variant in disease. Therefore, it has been classified as a Variant of Uncertain Significance.

Illumina Laboratory Services, Illumina
Classification: Uncertain significance for Oculocutaneous albinism. Last evaluated: 2017-08-15. Review status: criteria provided, single submitter. Criteria: ICSL Variant Classification Criteria 13 December 2019. Collection method: clinical testing. Allele origin: germline.

NM_000372.5(TYR):c.67G>A (p.Ala23Thr)

Gene: TYR (tyrosinase; plus strand). Cytogenetic location: 11q14.3.
Variant type: single nucleotide variant.
Coding change: c.67G>A on transcript NM_000372.5 (MANE Select); coding-DNA position 67, G replaced by A.
Protein change: p.Ala23Thr; replaces alanine 23 with threonine.
Molecular consequence: missense variant.
Genome position (GRCh38, 1-based): chr11:89,178,020, G>A. VCF-style: chr11-89178020-G-A. GRCh37 (hg19) VCF-style: chr11-88911188-G-A.
Other names: short protein forms A23T.
Identifiers: ClinVar variation 882561 (VCV000882561.5), dbSNP rs1373014646, ClinGen allele CA382033232.